The following is an entry in ClinVar:

ClinVar aggregate classification (germline): Conflicting classifications of pathogenicity. Review status: criteria provided, conflicting classifications (1 of 4 stars). 8 submissions from 8 submitters: Likely pathogenic (4); Uncertain significance (4). Last evaluated 2025-09-05.

Conditions:
Ehlers-Danlos syndrome, classic type, 1 (EDSCL1). Also called: Ehlers-Danlos syndrome, type 1; Ehlers-Danlos Syndrome, Classic Type, COL5A1-Related; EDS I; EHLERS-DANLOS SYNDROME, GRAVIS TYPE; EHLERS-DANLOS SYNDROME, SEVERE CLASSIC TYPE. Identifiers: MedGen C0268335, MONDO:0019567, OMIM 130000.
Ehlers-Danlos syndrome, classic type, 2 (EDSCL2). Also called: Ehlers-Danlos Syndrome, Classic Type, COL5A2-Related; Ehlers-Danlos syndrome, type 2; Ehlers-Danlos syndrome type 2 (formerly). Identifiers: Orphanet 287, Orphanet 90318, MedGen C0268336, MONDO:0019568, OMIM 130010.
Cardiovascular phenotype. Identifiers: MedGen CN230736.
Familial thoracic aortic aneurysm and aortic dissection (TAAD). Also called: Thoracic aortic aneurysms and dissections. Identifiers: Orphanet 91387, MedGen C4707243, MONDO:0019625.

Allele frequency attached by ClinVar (database versions not stated): gnomAD exomes 0.00001; ExAC 0.00002; TOPMed 0.00002.
gnomAD v4.1: 21 of 1,610,906 alleles (0.0013%); highest among the groups gnomAD compares: Non-Finnish European, 0.0018%; no homozygotes.

Submissions (8):

Mayo Clinic Laboratories, Mayo Clinic
Classification: Likely pathogenic. Last evaluated: 2025-09-05. Review status: criteria provided, single submitter. Criteria: ACMG Guidelines, 2015. Collection method: clinical testing. Allele origin: germline. Observed: 1 variant allele.
Comment: PP1, PP3_strong, PM1

Labcorp Genetics (formerly Invitae), Labcorp
Classification: Uncertain significance for Ehlers-Danlos syndrome, classic type, 1. Last evaluated: 2025-06-15. Review status: criteria provided, single submitter. Criteria: Invitae Variant Classification Sherloc (09022015). Collection method: clinical testing. Allele origin: germline.
Comment: This sequence change replaces glycine, which is neutral and non-polar, with arginine, which is basic and polar, at codon 702 of the COL5A2 protein (p.Gly702Arg). This variant is present in population databases (rs772811492, gnomAD 0.002%). This variant has not been reported in the literature in individuals affected with COL5A2-related conditions. ClinVar contains an entry for this variant (Variation ID: 421973). Invitae Evidence Modeling of protein sequence and biophysical properties (such as structural, functional, and spatial information, amino acid conservation, physicochemical variation, residue mobility, and thermodynamic stability) indicates that this missense variant is expected to disrupt COL5A2 protein function with a positive predictive value of 80%. In summary, the available evidence is currently insufficient to determine the role of this variant in disease. Therefore, it has been classified as a Variant of Uncertain Significance.

Molecular Diagnostic Laboratory for Inherited Cardiovascular Disease, Montreal Heart Institute
Classification: Uncertain significance for Cardiovascular phenotype. Last evaluated: 2025-04-09. Review status: criteria provided, single submitter. Criteria: ACMG Guidelines, 2015. Collection method: clinical testing. Allele origin: germline. Affected: yes.
Comment: PM1, PP3

Ambry Genetics
Classification: Likely pathogenic for Familial thoracic aortic aneurysm and aortic dissection. Last evaluated: 2024-08-07. Review status: criteria provided, single submitter. Criteria: Ambry Variant Classification Scheme 2023. Collection method: clinical testing. Allele origin: germline.
Comment: The p.G702R variant (also known as c.2104G>A), located in coding exon 32 of the COL5A2 gene, results from a G to A substitution at nucleotide position 2104. The glycine at codon 702 is replaced by arginine, an amino acid with dissimilar properties. This variant has been observed in at least one individual with a personal and/or family history that is consistent with COL5A2-associated disease (Ambry internal data). This variant has been reported to segregate with disease in a family with features of COL5A2-associated disease; however, the proband and family also had variants in other cardiac-related genes (Seidelmann SB et al. Circ Cardiovasc Genet, 2017 Feb;10:). Internal structural analysis indicates that this alteration disrupts the characteristic G-X-Y motif of the triple helical domain in the COL5A2 protein and inserts a bulky side chain into a sterically-constrained region (Bella J et al.Science.1994;266:75-81; Hohenester E et al.Proc. Natl.Acad. Sci.U.S.A.2008;105:18273-7; Ambry internal data). Glycine substitutions in the triple helical domain of COL5A2 have been reported in association with classic Ehlers-Danlos syndrome (cEDS), but the number of affected individuals is limited and several other COL5A2 glycine substitutions in the triple helical domain (e.g., p.G951E and p.G831A) are too common for disease in population databases (Symoens S et al.Hum. Mutat., 2012 Oct;33:1485-93; Ritelli M et al.Orphanet J Rare Dis.2013 Apr;8:58). This amino acid position is highly conserved in available vertebrate species. In addition, this alteration is predicted to be deleterious by in silico analysis. Based on the majority of available evidence to date, this variant is likely to be pathogenic.

Blueprint Genetics
Classification: Uncertain significance. Last evaluated: 2024-05-31. Review status: criteria provided, single submitter. Criteria: ACMG Guidelines, 2015. Collection method: clinical testing. Allele origin: germline.

GeneDx
Classification: Likely pathogenic. Last evaluated: 2023-03-22. Review status: criteria provided, single submitter. Criteria: GeneDx Variant Classification Process June 2021. Collection method: clinical testing. Allele origin: germline. Affected: yes.
Comment: In silico analysis supports that this missense variant has a deleterious effect on protein structure/function; Not observed at significant frequency in large population cohorts (gnomAD); This variant is associated with the following publications: (PMID: 28087566)

AiLife Diagnostics
Classification: Uncertain significance. Last evaluated: 2022-02-01. Review status: criteria provided, single submitter. Criteria: ACMG Guidelines, 2015. Collection method: clinical testing. Allele origin: germline. Affected: yes. Observed: 2 variant alleles.

Juno Genomics, Hangzhou Juno Genomics, Inc
Classification: Likely pathogenic for Ehlers-Danlos syndrome, classic type, 2. Review status: criteria provided, single submitter. Criteria: ACMG Guidelines, 2015. Collection method: clinical testing. Allele origin: germline.
Comment: Absent from controls (or at extremely low frequency if recessive) in Genome Aggregation Database.;Missense variant in a gene that has a low rate of benign missense variation.;Multiple lines of computational evidence support a deleterious effect on the gene or gene product.;Co-segregation with disease in multiple affected family members.

Literature cited by the submitters: PubMed 28087566 (cited by Mayo Clinic Laboratories, Mayo Clinic and Ambry Genetics).

NM_000393.5(COL5A2):c.2104G>A (p.Gly702Arg)

Gene: COL5A2 (collagen type V alpha 2 chain; minus strand). Cytogenetic location: 2q32.2.
Variant type: single nucleotide variant.
Coding change: c.2104G>A on transcript NM_000393.5 (MANE Select); coding-DNA position 2104, G replaced by A.
Protein change: p.Gly702Arg; replaces glycine 702 with arginine.
Molecular consequence: missense variant.
Genome position (GRCh38, 1-based): chr2:189,058,875, C>T on the plus strand (G>A on the coding strand, the complement: COL5A2 is on the minus strand). VCF-style: chr2-189058875-C-T. GRCh37 (hg19) VCF-style: chr2-189923601-C-T.
Other names: p.Gly702Arg; c.2104G>A (NM_000393.4); short protein forms G702R.
Identifiers: ClinVar variation 421973 (VCV000421973.21), dbSNP rs772811492, ClinGen allele CA2022444.